The following is an entry in ClinVar:

NM_025114.4(CEP290):c.3880C>A (p.Gln1294Lys)

Gene: CEP290 (centrosomal protein 290; minus strand). Cytogenetic location: 12q21.32.
Variant type: single nucleotide variant.
Coding change: c.3880C>A on transcript NM_025114.4 (MANE Select); coding-DNA position 3880, C replaced by A.
Protein change: p.Gln1294Lys; replaces glutamine 1294 with lysine.
Molecular consequence: missense variant.
Genome position (GRCh38, 1-based): chr12:88,089,181, G>T on the plus strand (C>A on the coding strand, the complement: CEP290 is on the minus strand). VCF-style: chr12-88089181-G-T. GRCh37 (hg19) VCF-style: chr12-88482958-G-T.
Other names: c.3880C>A (NM_025114.3); short protein forms Q1294K.
Identifiers: ClinVar variation 3250164 (VCV003250164.2).
Genomic context (GRCh38, chr12:88,089,181, plus strand): 5'-TATTTCTATGTTCTTGTTGAGAATTTTTCATTTCTTGCATTATCTTAAGTTTGTCATTTT[G>T]TAGTTGAATCATTGTTTTGGAGAACTTTTCCTGTTGTGCCAAGGGTAAAGCTCCACTAAA-3'
Protein context (NP_079390.3, residues 1284-1304): EKFSKTMIQL[Gln1294Lys]NDKLKIMQEM

ClinVar aggregate classification (germline): Uncertain significance. Review status: criteria provided, single submitter (1 of 4 stars). 2 submissions from 2 submitters: Uncertain significance (1). 1 of the submissions does not count toward it. Last evaluated 2025-04-09.

Conditions:
Optic atrophy. Identifiers: MedGen C0029124, MONDO:0003608, HP:0000648.
CEP290-related disorder. Also called: CEP290-related disorders; CEP290-related condition. Identifiers: MedGen CN239314.

Submissions (2):

PreventionGenetics, part of Exact Sciences
Classification: Uncertain significance for CEP290-related condition. Last evaluated: 2025-04-09. Review status: criteria provided, single submitter. Criteria: ACMG Guidelines, 2015. Collection method: clinical testing. Allele origin: germline.
Comment: The CEP290 c.3880C>A variant is predicted to result in the amino acid substitution p.Gln1294Lys. To our knowledge, this variant has not been reported in the literature or in a large population database (gnomAD), indicating this variant is rare. At this time, the clinical significance of this variant is uncertain due to the absence of conclusive functional and genetic evidence.

Institute of Human Genetics, Univ. Regensburg, Univ. Regensburg
Classification: Uncertain significance for Optic atrophy. Last evaluated: 2023-01-01. Review status: no assertion criteria provided. Criteria: ACMG Guidelines, 2015. Collection method: clinical testing. Allele origin: germline. Affected: yes. Not counted in ClinVar's aggregate classification.